The following is an entry in ClinVar:

ClinVar aggregate classification (germline): Uncertain significance. Review status: criteria provided, multiple submitters, no conflicts (2 of 4 stars). 3 submissions from 3 submitters: Uncertain significance (3). Last evaluated 2025-12-07.

Conditions:
Familial cancer of breast. Also called: BREAST CANCER, FAMILIAL; Hereditary breast cancer; hereditary breast carcinoma. Identifiers: Orphanet 227535, MedGen C0346153, MONDO:0016419, OMIM 114480. Disease mechanism: loss of function.
Hereditary cancer-predisposing syndrome. Also called: Hereditary Cancer Syndrome; Neoplastic Syndromes, Hereditary; Tumor predisposition; Hereditary neoplastic syndrome. Identifiers: Orphanet 140162, MedGen C0027672, MeSH D009386, MONDO:0015356.
Ataxia-telangiectasia syndrome (AT). Also called: Ataxia-telangiectasia, complementation group D; AT, COMPLEMENTATION GROUP C; ATAXIA-TELANGIECTASIA, COMPLEMENTATION GROUP A; ATAXIA-TELANGIECTASIA, FRESNO VARIANT; Ataxia-telangiectasia; LOUIS-BAR SYNDROME. Identifiers: Orphanet 100, MedGen C0004135, MONDO:0008840, OMIM 208900.

Allele frequency attached by ClinVar (database versions not stated): gnomAD exomes below 0.00001.
gnomAD v4.1: 1 of 1,612,674 alleles (0.000062%); highest among the groups gnomAD compares: Non-Finnish European, 0.000085%; no homozygotes.

Submissions (3):

Ambry Genetics
Classification: Uncertain significance for Hereditary cancer-predisposing syndrome. Last evaluated: 2025-12-07. Review status: criteria provided, single submitter. Criteria: Ambry Variant Classification Scheme 2023. Collection method: clinical testing. Allele origin: germline.
Comment: The p.S132P variant (also known as c.394T>C), located in coding exon 4 of the ATM gene, results from a T to C substitution at nucleotide position 394. The serine at codon 132 is replaced by proline, an amino acid with similar properties. This amino acid position is not well conserved in available vertebrate species. In addition, this alteration is predicted to be tolerated by in silico analysis. Since supporting evidence is limited at this time, the clinical significance of this alteration remains unclear.

Labcorp Genetics (formerly Invitae), Labcorp
Classification: Uncertain significance for Ataxia-telangiectasia syndrome. Last evaluated: 2024-02-08. Review status: criteria provided, single submitter. Criteria: Invitae Variant Classification Sherloc (09022015). Collection method: clinical testing. Allele origin: germline.
Comment: This sequence change replaces serine, which is neutral and polar, with proline, which is neutral and non-polar, at codon 132 of the ATM protein (p.Ser132Pro). This variant is not present in population databases (gnomAD no frequency). This variant has not been reported in the literature in individuals affected with ATM-related conditions. ClinVar contains an entry for this variant (Variation ID: 187595). An algorithm developed to predict the effect of missense changes on protein structure and function (PolyPhen-2) suggests that this variant is likely to be disruptive. In summary, the available evidence is currently insufficient to determine the role of this variant in disease. Therefore, it has been classified as a Variant of Uncertain Significance.

Baylor Genetics
Classification: Uncertain significance for Familial cancer of breast. Last evaluated: 2023-07-02. Review status: criteria provided, single submitter. Criteria: ACMG Guidelines, 2015. Collection method: clinical testing. Allele origin: unknown.

NM_000051.4(ATM):c.394T>C (p.Ser132Pro)

Gene: ATM (ATM serine/threonine kinase; plus strand). Cytogenetic location: 11q22.3.
Variant type: single nucleotide variant.
Coding change: c.394T>C on transcript NM_000051.4 (MANE Select); coding-DNA position 394, T replaced by C.
Protein change: p.Ser132Pro; replaces serine 132 with proline.
Molecular consequence: missense variant.
Genome position (GRCh38, 1-based): chr11:108,235,732, T>C. VCF-style: chr11-108235732-T-C. GRCh37 (hg19) VCF-style: chr11-108106459-T-C.
Other names: c.394T>C, p.Ser132Pro (NM_001351834.2); short protein forms S132P.
Identifiers: ClinVar variation 187595 (VCV000187595.15), dbSNP rs786203851, ClinGen allele CA198041.
Genomic context (GRCh38, chr11:108,235,732, plus strand): 5'-GCACCTAGGCTAAAATGTCAAGAACTCTTAAATTATATCATGGATACAGTGAAAGATTCA[T>C]CTAATGGTGCTATTTACGGAGCTGATTGTAGCAACATACTACTCAAAGACATTCTTTCTG-3'
Protein context (NP_000042.3, residues 122-142): NYIMDTVKDS[Ser132Pro]NGAIYGADCS